The following is an entry in ClinVar:

NM_020247.5(COQ8A):c.394G>A (p.Gly132Ser)

Gene: COQ8A (coenzyme Q8A; plus strand). Cytogenetic location: 1q42.13.
Variant type: single nucleotide variant.
Coding change: c.394G>A on transcript NM_020247.5 (MANE Select); coding-DNA position 394, G replaced by A.
Protein change: p.Gly132Ser; replaces glycine 132 with serine.
Molecular consequence: missense variant.
Genome position (GRCh38, 1-based): chr1:226,965,216, G>A. VCF-style: chr1-226965216-G-A. GRCh37 (hg19) VCF-style: chr1-227152917-G-A.
Other names: short protein forms G132S.
Identifiers: ClinVar variation 2725583 (VCV002725583.1), dbSNP rs774512029, ClinGen allele CA1425003.

ClinVar aggregate classification (germline): Uncertain significance (1 of 4 stars; one submission).

Allele frequency attached by ClinVar (database versions not stated): gnomAD exomes below 0.00001; TOPMed below 0.00001; ExAC 0.00003.
gnomAD v4.1: 5 of 1,613,674 alleles (0.00031%); highest among the groups gnomAD compares: African/African-American, 0.0013%; no homozygotes.

Submission:

Labcorp Genetics (formerly Invitae), Labcorp
Classification: Uncertain significance. Last evaluated: 2024-01-02. Review status: criteria provided, single submitter. Criteria: Invitae Variant Classification Sherloc (09022015). Collection method: clinical testing. Allele origin: germline.
Comment: This sequence change replaces glycine, which is neutral and non-polar, with serine, which is neutral and polar, at codon 132 of the COQ8A protein (p.Gly132Ser). This variant is present in population databases (rs774512029, gnomAD 0.004%). This variant has not been reported in the literature in individuals affected with COQ8A-related conditions. Advanced modeling of protein sequence and biophysical properties (such as structural, functional, and spatial information, amino acid conservation, physicochemical variation, residue mobility, and thermodynamic stability) performed at Invitae indicates that this missense variant is not expected to disrupt COQ8A protein function with a negative predictive value of 95%. In summary, the available evidence is currently insufficient to determine the role of this variant in disease. Therefore, it has been classified as a Variant of Uncertain Significance.